The following is an entry in ClinVar:

NM_031229.4(RBCK1):c.1452G>A (p.Gly484=)

Gene: RBCK1 (RANBP2-type and C3HC4-type zinc finger containing 1; plus strand). Cytogenetic location: 20p13.
Variant type: single nucleotide variant.
Coding change: c.1452G>A on transcript NM_031229.4 (MANE Select); coding-DNA position 1452, G replaced by A.
Protein change: p.Gly484=; no amino-acid change (glycine 484 retained).
Molecular consequence: synonymous variant. On other transcripts: non-coding transcript variant (1).
Genome position (GRCh38, 1-based): chr20:429,094, G>A. VCF-style: chr20-429094-G-A. GRCh37 (hg19) VCF-style: chr20-409738-G-A.
Other names: c.942G>A, p.Gly314= (NM_001323956.2, NM_001323958.2); c.1326G>A, p.Gly442= (NM_006462.6).
Identifiers: ClinVar variation 1437091 (VCV001437091.5), dbSNP rs780470011, ClinGen allele CA9723377.
Genomic context (GRCh38, chr20:429,094, plus strand): 5'-CTGCACCGTCTGCCACACCGAGATCTGCTGGGTCACCAAGGGCCCACGCTGGGGCCCTGG[G>A]GTGAGTCTTTGCTCGTGGTGGTGTGGAGAGGGTGCCCTTGTGGGCTTTGCCTTAGAGGAG-3'
Protein context (NP_112506.2, residues 474-494): WVTKGPRWGP[Gly484=]GPGDTSGGCR

ClinVar aggregate classification (germline): Uncertain significance (1 of 4 stars; one submission).

Conditions:
Polyglucosan body myopathy type 1 (PGBM1). Also called: Polyglucosan body myopathy 1 with or without immunodeficiency; POLYGLUCOSAN BODY MYOPATHY WITHOUT IMMUNODEFICIENCY. Identifiers: Orphanet 329173, Orphanet 397937, MedGen C4014605, MONDO:0014389, OMIM 615895.

Allele frequency attached by ClinVar (database versions not stated): TOPMed below 0.00001; ExAC 0.00001; gnomAD exomes 0.00001.
gnomAD v4.1: 3 of 1,611,084 alleles (0.00019%); highest among the groups gnomAD compares: Non-Finnish European, 0.00025%; no homozygotes.

Submissions (2):

Labcorp Genetics (formerly Invitae), Labcorp
Classification: Uncertain significance for Polyglucosan body myopathy type 1. Last evaluated: 2022-11-22. Review status: criteria provided, single submitter. Criteria: Invitae Variant Classification Sherloc (09022015). Collection method: clinical testing. Allele origin: germline.
Comment: In summary, the available evidence is currently insufficient to determine the role of this variant in disease. Therefore, it has been classified as a Variant of Uncertain Significance. Variants that disrupt the consensus splice site are a relatively common cause of aberrant splicing (PMID: 17576681, 9536098). Algorithms developed to predict the effect of sequence changes on RNA splicing suggest that this variant may disrupt the consensus splice site. ClinVar contains an entry for this variant (Variation ID: 1437091). This variant has not been reported in the literature in individuals affected with RBCK1-related conditions. This variant is present in population databases (rs780470011, gnomAD 0.0009%). This sequence change affects codon 484 of the RBCK1 mRNA. It is a 'silent' change, meaning that it does not change the encoded amino acid sequence of the RBCK1 protein. This variant also falls at the last nucleotide of exon 11, which is part of the consensus splice site for this exon.

Dr. Peter K. Rogan Lab, Western University
No classification provided (evidence only). Condition: Clear cell carcinoma of kidney. Review status: no classification provided. Collection method: in vitro. Allele origin: not applicable. Functional consequence: retained intron. Not counted in ClinVar's aggregate classification.

Literature cited by the submitters: PubMed 17576681 (cited by Labcorp Genetics (formerly Invitae), Labcorp); PubMed 9536098 (cited by Labcorp Genetics (formerly Invitae), Labcorp).